The following is an entry in ClinVar:

ClinVar aggregate classification (germline): Uncertain significance (1 of 4 stars; one submission).

Conditions:
Congenital disorder of deglycosylation (CDDG). Identifiers: MedGen C3808991, MONDO:0031376.

Submission:

Labcorp Genetics (formerly Invitae), Labcorp
Classification: Uncertain significance for Congenital disorder of deglycosylation. Last evaluated: 2022-06-15. Review status: criteria provided, single submitter. Criteria: Invitae Variant Classification Sherloc (09022015). Collection method: clinical testing. Allele origin: germline.
Comment: This sequence change replaces valine, which is neutral and non-polar, with alanine, which is neutral and non-polar, at codon 72 of the NGLY1 protein (p.Val72Ala). This variant is not present in population databases (gnomAD no frequency). This variant has not been reported in the literature in individuals affected with NGLY1-related conditions. Algorithms developed to predict the effect of missense changes on protein structure and function are either unavailable or do not agree on the potential impact of this missense change (SIFT: "Tolerated"; PolyPhen-2: "Probably Damaging"; Align-GVGD: "Class C0"). In summary, the available evidence is currently insufficient to determine the role of this variant in disease. Therefore, it has been classified as a Variant of Uncertain Significance.

NM_018297.4(NGLY1):c.215T>C (p.Val72Ala)

Gene: NGLY1 (N-glycanase 1; minus strand). Cytogenetic location: 3p24.2.
Variant type: single nucleotide variant.
Coding change: c.215T>C on transcript NM_018297.4 (MANE Select); coding-DNA position 215, T replaced by C.
Protein change: p.Val72Ala; replaces valine 72 with alanine.
Molecular consequence: missense variant.
Genome position (GRCh38, 1-based): chr3:25,778,605, A>G on the plus strand (T>C on the coding strand, the complement: NGLY1 is on the minus strand). VCF-style: chr3-25778605-A-G. GRCh37 (hg19) VCF-style: chr3-25820096-A-G.
Other names: c.215T>C, p.Val72Ala (NM_001145293.2, NM_001145295.2); c.89T>C, p.Val30Ala (NM_001145294.2); short protein forms V30A, V72A.
Identifiers: ClinVar variation 2006998 (VCV002006998.1), dbSNP rs2470751808, ClinGen allele CA351910980.